The following is an entry in ClinVar:

ClinVar aggregate classification (germline): Uncertain significance (1 of 4 stars; one submission).

Conditions:
Fanconi anemia complementation group J. Also called: BRIP1-Related Fanconi Anemia. Identifiers: Orphanet 84, MedGen C1836860, MONDO:0012187, OMIM 609054.
Familial cancer of breast. Also called: BREAST CANCER, FAMILIAL; Hereditary breast cancer; hereditary breast carcinoma. Identifiers: Orphanet 227535, MedGen C0346153, MONDO:0016419, OMIM 114480. Disease mechanism: loss of function.

Submission:

Labcorp Genetics (formerly Invitae), Labcorp
Classification: Uncertain significance for Familial cancer of breast; Fanconi anemia complementation group J. Last evaluated: 2022-04-18. Review status: criteria provided, single submitter. Criteria: Invitae Variant Classification Sherloc (09022015). Collection method: clinical testing. Allele origin: germline.
Comment: This sequence change replaces threonine, which is neutral and polar, with isoleucine, which is neutral and non-polar, at codon 327 of the BRIP1 protein (p.Thr327Ile). This variant is not present in population databases (gnomAD no frequency). In summary, the available evidence is currently insufficient to determine the role of this variant in disease. Therefore, it has been classified as a Variant of Uncertain Significance. Algorithms developed to predict the effect of missense changes on protein structure and function (SIFT, PolyPhen-2, Align-GVGD) all suggest that this variant is likely to be tolerated. This variant has not been reported in the literature in individuals affected with BRIP1-related conditions.

NM_032043.3(BRIP1):c.980C>T (p.Thr327Ile)

Gene: BRIP1 (BRCA1 interacting DNA helicase 1; minus strand). Cytogenetic location: 17q23.2.
Variant type: single nucleotide variant.
Coding change: c.980C>T on transcript NM_032043.3 (MANE Select); coding-DNA position 980, C replaced by T.
Protein change: p.Thr327Ile; replaces threonine 327 with isoleucine.
Molecular consequence: missense variant.
Genome position (GRCh38, 1-based): chr17:61,801,413, G>A on the plus strand (C>T on the coding strand, the complement: BRIP1 is on the minus strand). VCF-style: chr17-61801413-G-A. GRCh37 (hg19) VCF-style: chr17-59878774-G-A.
Other names: short protein forms T327I.
Identifiers: ClinVar variation 1483795 (VCV001483795.9), dbSNP rs2145339793, ClinGen allele CA400484185.